The following is an entry in ClinVar:

ClinVar aggregate classification (germline): Uncertain significance (1 of 4 stars; one submission).

gnomAD v4.1: 8 of 1,614,108 alleles (0.0005%); highest among the groups gnomAD compares: Non-Finnish European, 0.00068%; no homozygotes.

Submission:

GeneDx
Classification: Uncertain significance. Last evaluated: 2025-10-14. Review status: criteria provided, single submitter. Criteria: GeneDx Variant Classification Process June 2021. Collection method: clinical testing. Allele origin: germline. Affected: yes.
Comment: Not observed at significant frequency in large population cohorts (gnomAD); In silico analysis supports that this missense variant has a deleterious effect on protein structure/function; Has not been previously published as pathogenic or benign to our knowledge

NM_031475.3(ESPN):c.1141G>T (p.Asp381Tyr)

Gene: ESPN (espin; plus strand). Cytogenetic location: 1p36.31.
Variant type: single nucleotide variant.
Coding change: c.1141G>T on transcript NM_031475.3 (MANE Select); coding-DNA position 1141, G replaced by T.
Protein change: p.Asp381Tyr; replaces aspartic acid 381 with tyrosine.
Molecular consequence: missense variant.
Genome position (GRCh38, 1-based): chr1:6,444,631, G>T. VCF-style: chr1-6444631-G-T. GRCh37 (hg19) VCF-style: chr1-6504691-G-T.
Other names: c.1141G>T, p.Asp381Tyr (NM_001367473.1, NM_001367474.1); short protein forms D381Y.
Identifiers: ClinVar variation 1254848 (VCV001254848.3), dbSNP rs752565640, ClinGen allele CA560123.
Genomic context (GRCh38, chr1:6,444,631, plus strand): 5'-GTGTCGGTCCAGCCGCTGAACTTTGACCTCAGCTCGCCTACCAGCACCCTCTCCAACTAC[G>T]ACTCCTGCTCCTCCAGCCACTCCAGCATCAAGGGCCAGCACCCTCCATGTGGTGAGTGTG-3'
Protein context (NP_113663.2, residues 371-391): SSPTSTLSNY[Asp381Tyr]SCSSSHSSIK